The following is an entry in ClinVar:

ClinVar aggregate classification (germline): Uncertain significance. Review status: criteria provided, multiple submitters, no conflicts (2 of 4 stars). 2 submissions from 2 submitters: Uncertain significance (2). Last evaluated 2025-09-29.

Conditions:
Hereditary cancer-predisposing syndrome. Also called: Hereditary Cancer Syndrome; Tumor predisposition; Hereditary neoplastic syndrome; Neoplastic Syndromes, Hereditary. Identifiers: Orphanet 140162, MedGen C0027672, MeSH D009386, MONDO:0015356.
Oligodontia-cancer predisposition syndrome. Also called: TOOTH AGENESIS-COLORECTAL CANCER SYNDROME. Identifiers: Orphanet 300576, MedGen C1837750, MONDO:0012075, OMIM 608615. Disease mechanism: loss of function.

Allele frequency attached by ClinVar (database versions not stated): TOPMed below 0.00001.

Submissions (2):

Ambry Genetics
Classification: Uncertain significance for Hereditary cancer-predisposing syndrome. Last evaluated: 2025-09-29. Review status: criteria provided, single submitter. Criteria: Ambry Variant Classification Scheme 2023. Collection method: clinical testing. Allele origin: germline.
Comment: The p.Q396L variant (also known as c.1187A>T), located in coding exon 4 of the AXIN2 gene, results from an A to T substitution at nucleotide position 1187. The glutamine at codon 396 is replaced by leucine, an amino acid with dissimilar properties. This amino acid position is conserved. In addition, the in silico prediction for this alteration is inconclusive. Based on the available evidence, the clinical significance of this variant remains unclear.

Labcorp Genetics (formerly Invitae), Labcorp
Classification: Uncertain significance for Oligodontia-cancer predisposition syndrome. Last evaluated: 2024-08-03. Review status: criteria provided, single submitter. Criteria: Invitae Variant Classification Sherloc (09022015). Collection method: clinical testing. Allele origin: germline.
Comment: This sequence change replaces glutamine, which is neutral and polar, with leucine, which is neutral and non-polar, at codon 396 of the AXIN2 protein (p.Gln396Leu). This variant is not present in population databases (gnomAD no frequency). This variant has not been reported in the literature in individuals affected with AXIN2-related conditions. ClinVar contains an entry for this variant (Variation ID: 1041976). Advanced modeling of protein sequence and biophysical properties (such as structural, functional, and spatial information, amino acid conservation, physicochemical variation, residue mobility, and thermodynamic stability) has been performed at Invitae for this missense variant, however the output from this modeling did not meet the statistical confidence thresholds required to predict the impact of this variant on AXIN2 protein function. In summary, the available evidence is currently insufficient to determine the role of this variant in disease. Therefore, it has been classified as a Variant of Uncertain Significance.

NM_004655.4(AXIN2):c.1187A>T (p.Gln396Leu)

Gene: AXIN2 (axin 2; minus strand). Cytogenetic location: 17q24.1.
Variant type: single nucleotide variant.
Coding change: c.1187A>T on transcript NM_004655.4 (MANE Select); coding-DNA position 1187, A replaced by T.
Protein change: p.Gln396Leu; replaces glutamine 396 with leucine.
Molecular consequence: missense variant.
Genome position (GRCh38, 1-based): chr17:65,538,216, T>A on the plus strand (A>T on the coding strand, the complement: AXIN2 is on the minus strand). VCF-style: chr17-65538216-T-A. GRCh37 (hg19) VCF-style: chr17-63534334-T-A.
Other names: c.1187A>T (NM_004655.3); c.1187A>T, p.Gln396Leu (NM_001363813.1); short protein forms Q396L.
Identifiers: ClinVar variation 1041976 (VCV001041976.11), dbSNP rs914102463, ClinGen allele CA293098927.